The following is an entry in ClinVar:

NM_033118.4(MYLK2):c.1768G>T (p.Ala590Ser)

Gene: MYLK2 (myosin light chain kinase 2; plus strand). Cytogenetic location: 20q11.21.
Variant type: single nucleotide variant.
Coding change: c.1768G>T on transcript NM_033118.4 (MANE Select); coding-DNA position 1768, G replaced by T.
Protein change: p.Ala590Ser; replaces alanine 590 with serine.
Molecular consequence: missense variant.
Genome position (GRCh38, 1-based): chr20:31,833,774, G>T. VCF-style: chr20-31833774-G-T. GRCh37 (hg19) VCF-style: chr20-30421577-G-T.
Other names: short protein forms A590S.
Identifiers: ClinVar variation 1063831 (VCV001063831.11), dbSNP rs150004017, ClinGen allele CA9803333.

ClinVar aggregate classification (germline): Uncertain significance. Review status: criteria provided, multiple submitters, no conflicts (2 of 4 stars). 3 submissions from 3 submitters: Uncertain significance (3). Last evaluated 2024-05-30.

Conditions:
Hypertrophic cardiomyopathy 1 (CMH1). Also called: MYH7-Related Familial Hypertrophic Cardiomyopathy; Familial hypertrophic cardiomyopathy 1. Identifiers: MedGen C3495498, MONDO:0008647, OMIM 192600.

Allele frequency attached by ClinVar (database versions not stated): gnomAD 0.00001 and 0.00002; ExAC 0.00002; gnomAD exomes 0.00002; TOPMed 0.00003; ESP Exome Variant Server 0.00008.
gnomAD v4.1: 7 of 1,613,304 alleles (0.00043%); highest among the groups gnomAD compares: Admixed American, 0.0017%; no homozygotes.

Submissions (3):

Ambry Genetics
Classification: Uncertain significance. Last evaluated: 2024-05-30. Review status: criteria provided, single submitter. Criteria: Ambry Variant Classification Scheme 2023. Collection method: clinical testing. Allele origin: germline.
Comment: The p.A590S variant (also known as c.1768G>T), located in coding exon 12 of the MYLK2 gene, results from a G to T substitution at nucleotide position 1768. The alanine at codon 590 is replaced by serine, an amino acid with similar properties. This amino acid position is conserved. In addition, this alteration is predicted to be tolerated by in silico analysis. Since supporting evidence is limited at this time, the clinical significance of this alteration remains unclear.

Labcorp Genetics (formerly Invitae), Labcorp
Classification: Uncertain significance for Hypertrophic cardiomyopathy 1. Last evaluated: 2024-05-14. Review status: criteria provided, single submitter. Criteria: Invitae Variant Classification Sherloc (09022015). Collection method: clinical testing. Allele origin: germline.
Comment: This sequence change replaces alanine, which is neutral and non-polar, with serine, which is neutral and polar, at codon 590 of the MYLK2 protein (p.Ala590Ser). This variant is present in population databases (rs150004017, gnomAD 0.003%). This variant has not been reported in the literature in individuals affected with MYLK2-related conditions. ClinVar contains an entry for this variant (Variation ID: 1063831). Algorithms developed to predict the effect of missense changes on protein structure and function output the following: SIFT: "Not Available"; PolyPhen-2: "Benign"; Align-GVGD: "Not Available". The serine amino acid residue is found in multiple mammalian species, which suggests that this missense change does not adversely affect protein function. In summary, the available evidence is currently insufficient to determine the role of this variant in disease. Therefore, it has been classified as a Variant of Uncertain Significance.

GeneDx
Classification: Uncertain significance. Last evaluated: 2022-11-14. Review status: criteria provided, single submitter. Criteria: GeneDx Variant Classification Process June 2021. Collection method: clinical testing. Allele origin: germline. Affected: yes.
Comment: Has not been previously published as pathogenic or benign to our knowledge; Not observed at significant frequency in large population cohorts (gnomAD); In silico analysis supports that this missense variant does not alter protein structure/function